The following is an entry in ClinVar:

ClinVar aggregate classification (germline): Likely benign. Review status: criteria provided, multiple submitters, no conflicts (2 of 4 stars). 3 submissions from 3 submitters: Likely benign (3). Last evaluated 2026-06-02.

Conditions:
CACNA1G-related disorder. Also called: CACNA1G-related condition; CACNA1G-related disorders.

Allele frequency attached by ClinVar (database versions not stated): 1000 Genomes Project 30x 0.00016; 1000 Genomes Project 0.00020; ExAC 0.00023; ESP Exome Variant Server 0.00008; gnomAD 0.00008; TOPMed 0.00014; gnomAD exomes 0.00023.
gnomAD v4.1: 138 of 1,613,028 alleles (0.0086%); highest among the groups gnomAD compares: East Asian, 0.26%; no homozygotes.

Submissions (3):

PreventionGenetics, part of Exact Sciences
Classification: Likely benign for CACNA1G-related condition. Last evaluated: 2026-06-02. Review status: criteria provided, single submitter. Criteria: ACMG Guidelines, 2015. Collection method: clinical testing. Allele origin: germline.
Comment: This variant is classified as likely benign based on ACMG/AMP sequence variant interpretation guidelines (Richards et al. 2015 PMID: 25741868, with internal and published modifications).

Blueprint Genetics
Classification: Likely benign. Last evaluated: 2024-09-12. Review status: criteria provided, single submitter. Criteria: ACMG Guidelines, 2015. Collection method: clinical testing. Allele origin: germline.

Labcorp Genetics (formerly Invitae), Labcorp
Classification: Likely benign. Last evaluated: 2018-05-02. Review status: criteria provided, single submitter. Criteria: Invitae Variant Classification Sherloc (09022015). Collection method: clinical testing. Allele origin: germline.

NM_018896.5(CACNA1G):c.2020G>A (p.Gly674Arg)

Gene: CACNA1G (calcium voltage-gated channel subunit alpha1 G; plus strand). Cytogenetic location: 17q21.33.
Variant type: single nucleotide variant.
Coding change: c.2020G>A on transcript NM_018896.5 (MANE Select); coding-DNA position 2020, G replaced by A.
Protein change: p.Gly674Arg; replaces glycine 674 with arginine.
Molecular consequence: missense variant. On other transcripts: non-coding transcript variant (5).
Genome position (GRCh38, 1-based): chr17:50,578,283, G>A. VCF-style: chr17-50578283-G-A. GRCh37 (hg19) VCF-style: chr17-48655644-G-A.
Other names: c.2020G>A, p.Gly674Arg (NM_001256324.2, NM_001256325.2, NM_001256326.2 and 24 more transcripts); short protein forms G674R.
Identifiers: ClinVar variation 748806 (VCV000748806.5), dbSNP rs201569320, ClinGen allele CA8652303.